The following is an entry in ClinVar:

ClinVar aggregate classification (germline): Benign (1 of 4 stars; one submission).

Allele frequency attached by ClinVar (database versions not stated): gnomAD 0.17679 and 0.17906; TOPMed 0.18352; 1000 Genomes Project 30x 0.19894; 1000 Genomes Project 0.20647.
gnomAD v4.1: 27,348 of 152,244 alleles (18%); highest among the groups gnomAD compares: East Asian, 45%; 2,705 homozygotes.

Submissions (5):

GeneDx
Classification: Benign. Last evaluated: 2018-06-18. Review status: criteria provided, single submitter. Criteria: GeneDx Variant Classification (06012015). Collection method: clinical testing. Allele origin: germline. Affected: yes.
Comment: This variant is considered likely benign or benign based on one or more of the following criteria: it is a conservative change, it occurs at a poorly conserved position in the protein, it is predicted to be benign by multiple in silico algorithms, and/or has population frequency not consistent with disease.

Dr. Peter K. Rogan Lab, Western University
No classification provided (evidence only). Condition: Uterine corpus endometrial carcinoma. Review status: no classification provided. Collection method: in vitro. Allele origin: not applicable. Functional consequence: retained intron. Not counted in ClinVar's aggregate classification.

Dr. Peter K. Rogan Lab, Western University
No classification provided (evidence only). Condition: Uterine corpus endometrial carcinoma. Review status: no classification provided. Collection method: in vitro. Allele origin: not applicable. Functional consequence: retained intron. Not counted in ClinVar's aggregate classification.

Dr. Peter K. Rogan Lab, Western University
No classification provided (evidence only). Condition: Sarcoma. Review status: no classification provided. Collection method: in vitro. Allele origin: not applicable. Functional consequence: retained intron. Not counted in ClinVar's aggregate classification.

Dr. Peter K. Rogan Lab, Western University
No classification provided (evidence only). Condition: Ovarian serous cystadenocarcinoma. Review status: no classification provided. Collection method: in vitro. Allele origin: not applicable. Functional consequence: retained intron. Not counted in ClinVar's aggregate classification.

NM_001130987.2(DYSF):c.91+280A>G

Gene: DYSF (dysferlin; plus strand). Cytogenetic location: 2p13.2.
Variant type: single nucleotide variant.
Coding change: c.91+280A>G on transcript NM_001130987.2 (MANE Select); 280 bases into the intron after coding-DNA position 91, A replaced by G.
Molecular consequence: intron variant.
Genome position (GRCh38, 1-based): chr2:71,467,213, A>G. VCF-style: chr2-71467213-A-G. GRCh37 (hg19) VCF-style: chr2-71694343-A-G.
Other names: NC_000002.11:g.71694343A>G; c.88+13127A>G (NM_001130979.2, NM_001130981.2, NM_001130980.2 and 4 more transcripts); c.91+280A>G (NM_001130982.2, NM_001130985.2, NM_001130983.2 and 3 more transcripts).
Identifiers: ClinVar variation 668889 (VCV000668889.2), dbSNP rs61322674, ClinGen allele CA11017466.